The following is an entry in ClinVar:

NM_018706.7(DHTKD1):c.1647T>A (p.Ser549Arg)

Gene: DHTKD1 (dehydrogenase E1 and transketolase domain containing 1; plus strand). Cytogenetic location: 10p14.
Variant type: single nucleotide variant.
Coding change: c.1647T>A on transcript NM_018706.7 (MANE Select); coding-DNA position 1647, T replaced by A.
Protein change: p.Ser549Arg; replaces serine 549 with arginine.
Molecular consequence: missense variant.
Genome position (GRCh38, 1-based): chr10:12,097,972, T>A. VCF-style: chr10-12097972-T-A. GRCh37 (hg19) VCF-style: chr10-12139971-T-A.
Other names: c.1647T>A (NM_018706.5, NM_018706.6); short protein forms S549R.
Identifiers: ClinVar variation 1927402 (VCV001927402.7), dbSNP rs1316023812, ClinGen allele CA376021735.

ClinVar aggregate classification (germline): Uncertain significance. Review status: criteria provided, multiple submitters, no conflicts (2 of 4 stars). 3 submissions from 3 submitters: Uncertain significance (3). Last evaluated 2025-11-11.

Conditions:
Inborn genetic diseases. Identifiers: MedGen C0950123, MeSH D030342.
2-aminoadipic 2-oxoadipic aciduria (AAKAD). Also called: ALPHA-AMINOADIPIC AND ALPHA-KETOADIPIC ACIDURIA; Aminoadipic aciduria. Identifiers: Orphanet 79154, MedGen C1859817, MONDO:0008774, OMIM 204750.

Allele frequency attached by ClinVar (database versions not stated): gnomAD 0.00001; TOPMed 0.00001.
gnomAD v4.1: 1 of 1,611,768 alleles (0.000062%); highest among the groups gnomAD compares: African/African-American, 0.0013%; no homozygotes.

Submissions (3):

Ambry Genetics
Classification: Uncertain significance for Inborn genetic diseases. Last evaluated: 2025-11-11. Review status: criteria provided, single submitter. Criteria: Ambry Variant Classification Scheme 2023. Collection method: clinical testing. Allele origin: germline.

GeneDx
Classification: Uncertain significance. Last evaluated: 2024-05-23. Review status: criteria provided, single submitter. Criteria: GeneDx Variant Classification Process June 2021. Collection method: clinical testing. Allele origin: germline. Affected: yes.
Comment: Not observed at significant frequency in large population cohorts (gnomAD); In silico analysis indicates that this missense variant does not alter protein structure/function; Has not been previously published as pathogenic or benign to our knowledge

Labcorp Genetics (formerly Invitae), Labcorp
Classification: Uncertain significance for 2-aminoadipic 2-oxoadipic aciduria. Last evaluated: 2022-05-17. Review status: criteria provided, single submitter. Criteria: Invitae Variant Classification Sherloc (09022015). Collection method: clinical testing. Allele origin: germline.
Comment: This sequence change replaces serine, which is neutral and polar, with arginine, which is basic and polar, at codon 549 of the DHTKD1 protein (p.Ser549Arg). This variant is not present in population databases (gnomAD no frequency). This variant has not been reported in the literature in individuals affected with DHTKD1-related conditions. Algorithms developed to predict the effect of missense changes on protein structure and function (SIFT, PolyPhen-2, Align-GVGD) all suggest that this variant is likely to be tolerated. In summary, the available evidence is currently insufficient to determine the role of this variant in disease. Therefore, it has been classified as a Variant of Uncertain Significance.